The following is an entry in ClinVar:

ClinVar aggregate classification (germline): Conflicting classifications of pathogenicity. Review status: criteria provided, conflicting classifications (1 of 4 stars). 9 submissions from 8 submitters: Uncertain significance (2); Benign (1); Likely benign (4). 2 of the submissions do not count toward it. Last evaluated 2026-05-01.

Conditions:
Severe combined immunodeficiency, autosomal recessive, T cell-negative, B cell-negative, NK cell-positive. Also called: SCID, T CELL-NEGATIVE, B CELL-NEGATIVE, NK CELL-POSITIVE; Severe combined immunodeficiency due to complete RAG1/2 deficiency; SCID, AR, T-cell negative, B-cell negative, NK cell-positive. Identifiers: Orphanet 331206, MedGen C1832322, MONDO:0011086, OMIM 601457.
Histiocytic medullary reticulosis. Also called: Omenn syndrome; SEVERE COMBINED IMMUNODEFICIENCY WITH HYPEREOSINOPHILIA. Identifiers: Orphanet 39041, MedGen C2700553, MONDO:0011338, OMIM 603554.
Combined immunodeficiency with skin granulomas. Identifiers: Orphanet 157949, MedGen C2673536, MONDO:0009306, OMIM 233650.

Allele frequency attached by ClinVar (database versions not stated): 1000 Genomes Project 0.00060; 1000 Genomes Project 30x 0.00062; TOPMed 0.00225; gnomAD 0.00227; gnomAD exomes 0.00266; ExAC 0.00287; ESP Exome Variant Server 0.00292.
gnomAD v4.1: 5,441 of 1,614,172 alleles (0.34%); highest among the groups gnomAD compares: Non-Finnish European, 0.39%; 16 homozygotes.

Submissions (9):

CeGaT Center for Human Genetics Tuebingen
Classification: Likely benign. Last evaluated: 2026-05-01. Review status: criteria provided, single submitter. Criteria: CeGaT Center For Human Genetics Tuebingen Variant Classification Criteria Version 2. Collection method: clinical testing. Allele origin: germline. Affected: yes. Observed: 5 variant alleles.
Comment: RAG1: BP4, BS2

Labcorp Genetics (formerly Invitae), Labcorp
Classification: Benign for Combined immunodeficiency with skin granulomas; Severe combined immunodeficiency, autosomal recessive, T cell-negative, B cell-negative, NK cell-positive. Last evaluated: 2026-01-28. Review status: criteria provided, single submitter. Criteria: Invitae Variant Classification Sherloc (09022015). Collection method: clinical testing. Allele origin: germline.

Blueprint Genetics
Classification: Likely benign. Last evaluated: 2024-11-22. Review status: criteria provided, single submitter. Criteria: ACMG Guidelines, 2015. Collection method: clinical testing. Allele origin: germline.

ARUP Laboratories, Molecular Genetics and Genomics, ARUP Laboratories
Classification: Likely benign. Last evaluated: 2021-01-15. Review status: criteria provided, single submitter. Criteria: ARUP Molecular Germline Variant Investigation Process 2021. Collection method: clinical testing. Allele origin: germline.

GeneDx
Classification: Likely benign. Last evaluated: 2017-10-09. Review status: criteria provided, single submitter. Criteria: GeneDx Variant Classification (06012015). Collection method: clinical testing. Allele origin: germline. Affected: yes.
Comment: This variant is considered likely benign or benign based on one or more of the following criteria: it is a conservative change, it occurs at a poorly conserved position in the protein, it is predicted to be benign by multiple in silico algorithms, and/or has population frequency not consistent with disease.

Illumina Laboratory Services, Illumina
Classification: Uncertain significance for Severe combined immunodeficiency, autosomal recessive, T cell-negative, B cell-negative, NK cell-positive. Last evaluated: 2017-04-27. Review status: criteria provided, single submitter. Criteria: ICSL Variant Classification Criteria 13 December 2019. Collection method: clinical testing. Allele origin: germline.

Illumina Laboratory Services, Illumina
Classification: Uncertain significance for Histiocytic medullary reticulosis. Last evaluated: 2017-04-27. Review status: criteria provided, single submitter. Criteria: ICSL Variant Classification Criteria 13 December 2019. Collection method: clinical testing. Allele origin: germline.

Clinical Genetics DNA and cytogenetics Diagnostics Lab, Erasmus MC, Erasmus Medical Center
Classification: Likely benign. Review status: no assertion criteria provided. Collection method: clinical testing. Allele origin: germline. Affected: yes. Study: VKGL Data-share Consensus. Not counted in ClinVar's aggregate classification.

Genome Diagnostics Laboratory, University Medical Center Utrecht
Classification: Likely benign. Review status: no assertion criteria provided. Collection method: clinical testing. Allele origin: germline. Affected: yes. Study: VKGL Data-share Consensus. Not counted in ClinVar's aggregate classification.

NM_000448.3(RAG1):c.2571C>T (p.Ala857=)

Gene: RAG1 (recombination activating 1; plus strand). Cytogenetic location: 11p12.
Variant type: single nucleotide variant.
Coding change: c.2571C>T on transcript NM_000448.3 (MANE Select); coding-DNA position 2571, C replaced by T.
Protein change: p.Ala857=; no amino-acid change (alanine 857 retained).
Molecular consequence: synonymous variant.
Genome position (GRCh38, 1-based): chr11:36,575,875, C>T. VCF-style: chr11-36575875-C-T. GRCh37 (hg19) VCF-style: chr11-36597425-C-T.
Other names: c.2571C>T, p.Ala857= (NM_001377277.1, NM_001377278.1, NM_001377279.1 and 1 more transcripts).
Identifiers: ClinVar variation 469113 (VCV000469113.47), dbSNP rs141560248, ClinGen allele CA5950290.